The following is an entry in ClinVar:

ClinVar aggregate classification (germline): Uncertain significance. Review status: criteria provided, multiple submitters, no conflicts (2 of 4 stars). 2 submissions from 2 submitters: Uncertain significance (2). Last evaluated 2025-08-01.

Conditions:
Inborn genetic diseases. Identifiers: MedGen C0950123, MeSH D030342.

Allele frequency attached by ClinVar (database versions not stated): ExAC below 0.00001; gnomAD 0.00005; TOPMed 0.00006.

Submissions (2):

Ambry Genetics
Classification: Uncertain significance for Inborn genetic diseases. Last evaluated: 2025-08-01. Review status: criteria provided, single submitter. Criteria: Ambry Variant Classification Scheme 2023. Collection method: clinical testing. Allele origin: germline.

Labcorp Genetics (formerly Invitae), Labcorp
Classification: Uncertain significance. Last evaluated: 2025-07-10. Review status: criteria provided, single submitter. Criteria: Invitae Variant Classification Sherloc (09022015). Collection method: clinical testing. Allele origin: germline.
Comment: This sequence change replaces arginine, which is basic and polar, with glycine, which is neutral and non-polar, at codon 257 of the PRDM13 protein (p.Arg257Gly). This variant is present in population databases (rs759682162, gnomAD 0.02%). This variant has not been reported in the literature in individuals affected with PRDM13-related conditions. ClinVar contains an entry for this variant (Variation ID: 1026641). An algorithm developed to predict the effect of missense changes on protein structure and function (PolyPhen-2) suggests that this variant is likely to be tolerated. In summary, the available evidence is currently insufficient to determine the role of this variant in disease. Therefore, it has been classified as a Variant of Uncertain Significance.

NM_021620.4(PRDM13):c.769C>G (p.Arg257Gly)

Gene: PRDM13 (PR/SET domain 13; plus strand). Cytogenetic location: 6q16.2.
Variant type: single nucleotide variant.
Coding change: c.769C>G on transcript NM_021620.4 (MANE Select); coding-DNA position 769, C replaced by G.
Protein change: p.Arg257Gly; replaces arginine 257 with glycine.
Molecular consequence: missense variant.
Genome position (GRCh38, 1-based): chr6:99,613,404, C>G. VCF-style: chr6-99613404-C-G. GRCh37 (hg19) VCF-style: chr6-100061280-C-G.
Other names: c.769C>G (NM_021620.3); short protein forms R257G.
Identifiers: ClinVar variation 1026641 (VCV001026641.9), dbSNP rs759682162, ClinGen allele CA3936274.
Genomic context (GRCh38, chr6:99,613,404, plus strand): 5'-GCCACCTCGCCGACCCCAGGCAAGTGGGGGCAGCCCAAGAAGGGCAAGGAGCAGCTGGAC[C>G]GTGCCCTGGACATGAGCGGAGCCGCCCGAGGACAAGGGCACTTCCTCGGCATCGTGGGCG-3'
Protein context (NP_067633.2, residues 247-267): QPKKGKEQLD[Arg257Gly]ALDMSGAARG